The following is an entry in ClinVar:

NM_005733.3(KIF20A):c.915C>A (p.Phe305Leu)

Gene: KIF20A (kinesin family member 20A; plus strand). Cytogenetic location: 5q31.2.
Variant type: single nucleotide variant.
Coding change: c.915C>A on transcript NM_005733.3 (MANE Select); coding-DNA position 915, C replaced by A.
Protein change: p.Phe305Leu; replaces phenylalanine 305 with leucine.
Molecular consequence: missense variant.
Genome position (GRCh38, 1-based): chr5:138,183,251, C>A. VCF-style: chr5-138183251-C-A. GRCh37 (hg19) VCF-style: chr5-137518940-C-A.
Other names: short protein forms F305L.
Identifiers: ClinVar variation 1418013 (VCV001418013.8), dbSNP rs139724681, ClinGen allele CA3426444.
Genomic context (GRCh38, chr5:138,183,251, plus strand): 5'-GCCAGACACTGCCCCACTACCTGTCCCGGCAAACATTCGCTTCTCCATCTGGATCTCATT[C>A]TTTGAGATCTACAACGAACTGCTTTATGACCTATTAGAACCGCCTAGCCAACAGCGCAAG-3'
Protein context (NP_005724.1, residues 295-315): ANIRFSIWIS[Phe305Leu]FEIYNELLYD

ClinVar aggregate classification (germline): Uncertain significance (1 of 4 stars; one submission).

Allele frequency attached by ClinVar (database versions not stated): gnomAD exomes below 0.00001; ExAC 0.00001; TOPMed 0.00002; gnomAD 0.00003.
gnomAD v4.1: 6 of 1,613,992 alleles (0.00037%); highest among the groups gnomAD compares: Middle Eastern, 0.016%; no homozygotes.

Submission:

Labcorp Genetics (formerly Invitae), Labcorp
Classification: Uncertain significance. Last evaluated: 2024-02-23. Review status: criteria provided, single submitter. Criteria: Invitae Variant Classification Sherloc (09022015). Collection method: clinical testing. Allele origin: germline.
Comment: This sequence change replaces phenylalanine, which is neutral and non-polar, with leucine, which is neutral and non-polar, at codon 305 of the KIF20A protein (p.Phe305Leu). This variant is present in population databases (rs139724681, gnomAD 0.007%). This variant has not been reported in the literature in individuals affected with KIF20A-related conditions. ClinVar contains an entry for this variant (Variation ID: 1418013). An algorithm developed to predict the effect of missense changes on protein structure and function (PolyPhen-2) suggests that this variant is likely to be disruptive. In summary, the available evidence is currently insufficient to determine the role of this variant in disease. Therefore, it has been classified as a Variant of Uncertain Significance.